The following is an entry in ClinVar:

ClinVar aggregate classification (germline): Pathogenic (1 of 4 stars; one submission).

Conditions:
Polycystic kidney disease, adult type (PKD1). Also called: POLYCYSTIC KIDNEY DISEASE, ADULT, TYPE I; Polycystic Kidney Disease 1, Autosomal Dominant; Polycystic kidney disease 1; Polycystic kidney disease 1, severe; Polycystic Kidney, Autosomal Dominant; POLYCYSTIC KIDNEY DISEASE 1 WITH OR WITHOUT POLYCYSTIC LIVER DISEASE. Identifiers: MedGen C3149841, MONDO:0008263, OMIM 173900.

Submission:

Institute of Human Genetics, University of Leipzig Medical Center
Classification: Pathogenic for Polycystic kidney disease, adult type. Last evaluated: 2024-10-23. Review status: criteria provided, single submitter. Criteria: ACMG Guidelines, 2015. Collection method: clinical testing. Allele origin: unknown. Inheritance: Autosomal dominant inheritance. Affected: yes.
Comment: Criteria applied: PVS1,PM2,PP4

NM_001009944.3(PKD1):c.12155_12156del (p.Val4052fs)

Gene: PKD1 (polycystin 1, transient receptor potential channel interacting; minus strand). Cytogenetic location: 16p13.3.
Variant type: Microsatellite.
Coding change: c.12155_12156del on transcript NM_001009944.3 (MANE Select); coding-DNA positions 12155 to 12156, 2 bases deleted (TG; older notation c.12155_12156delTG).
Protein change: p.Val4052fs; shifts the reading frame from valine 4052.
Molecular consequence: frameshift variant.
Genome position (GRCh38, 1-based): chr16:2,090,573-2,090,574, CA deleted on the plus strand (TG on the coding strand, the reverse complement: PKD1 is on the minus strand); deleting any 2 consecutive bases within chr16:2,090,573-2,090,578 gives the same sequence; the c. name uses the placement nearest the transcript's 3' end. VCF-style (leftmost placement, unchanged base first): chr16-2090572-CCA-C. GRCh37 (hg19) VCF-style: chr16-2140573-CCA-C.
Other names: c.12152_12153del, p.Val4051fs (NM_000296.4); short protein forms V4051fs, V4052fs.
Identifiers: ClinVar variation 3376144 (VCV003376144.3).
Genomic context (GRCh38, chr16:2,090,572, plus strand): 5'-TAGAGAGCCCAGTCCCAGGGCACAGCACCAACAGGGCCTGGGCCACGCTCCAGAGGGAGT[CCA>C]CACAGGAAGACACGAGCTGCGGGGAAGGCGACACCAGTGAGGGCGTACAGCTGAGCTGAG-3'